The following is an entry in ClinVar:

NM_002029.4(FPR1):c.682A>T (p.Ile228Phe)

Gene: FPR1 (formyl peptide receptor 1; minus strand). Cytogenetic location: 19q13.41.
Variant type: single nucleotide variant.
Coding change: c.682A>T on transcript NM_002029.4 (MANE Select); coding-DNA position 682, A replaced by T.
Protein change: p.Ile228Phe; replaces isoleucine 228 with phenylalanine.
Molecular consequence: missense variant.
Genome position (GRCh38, 1-based): chr19:51,746,313, T>A on the plus strand (A>T on the coding strand, the complement: FPR1 is on the minus strand). VCF-style: chr19-51746313-T-A. GRCh37 (hg19) VCF-style: chr19-52249566-T-A.
Other names: c.682A>T, p.Ile228Phe (NM_001193306.2); short protein forms I228F.
Identifiers: ClinVar variation 2419436 (VCV002419436.7), dbSNP rs1197760903, ClinGen allele CA407117371.

ClinVar aggregate classification (germline): Uncertain significance. Review status: criteria provided, multiple submitters, no conflicts (2 of 4 stars). 2 submissions from 2 submitters: Uncertain significance (2). Last evaluated 2025-04-13.

Conditions:
Gingival disorder. Also called: Gingival disease. Identifiers: MedGen C0017563, MONDO:0002021.

Allele frequency attached by ClinVar (database versions not stated): TOPMed 0.00001.

Submissions (2):

Ambry Genetics
Classification: Uncertain significance. Last evaluated: 2025-04-13. Review status: criteria provided, single submitter. Criteria: Ambry Variant Classification Scheme 2023. Collection method: clinical testing. Allele origin: germline.

Labcorp Genetics (formerly Invitae), Labcorp
Classification: Uncertain significance for Gingival disorder. Last evaluated: 2022-02-24. Review status: criteria provided, single submitter. Criteria: Invitae Variant Classification Sherloc (09022015). Collection method: clinical testing. Allele origin: germline.
Comment: Algorithms developed to predict the effect of missense changes on protein structure and function are either unavailable or do not agree on the potential impact of this missense change (SIFT: "Deleterious"; PolyPhen-2: "Possibly Damaging"; Align-GVGD: "Class C0"). This sequence change replaces isoleucine, which is neutral and non-polar, with phenylalanine, which is neutral and non-polar, at codon 228 of the FPR1 protein (p.Ile228Phe). This variant is not present in population databases (gnomAD no frequency). This variant has not been reported in the literature in individuals affected with FPR1-related conditions. In summary, the available evidence is currently insufficient to determine the role of this variant in disease. Therefore, it has been classified as a Variant of Uncertain Significance.